The following is an entry in ClinVar:

NM_017633.3(TENT5A):c.1325A>G (p.Asn442Ser)

Gene: TENT5A (terminal nucleotidyltransferase 5A; minus strand). Cytogenetic location: 6q14.1.
Variant type: single nucleotide variant.
Coding change: c.1325A>G on transcript NM_017633.3 (MANE Select); coding-DNA position 1325, A replaced by G.
Protein change: p.Asn442Ser; replaces asparagine 442 with serine.
Molecular consequence: missense variant.
Genome position (GRCh38, 1-based): chr6:81,749,699, T>C on the plus strand (A>G on the coding strand, the complement: TENT5A is on the minus strand). VCF-style: chr6-81749699-T-C. GRCh37 (hg19) VCF-style: chr6-82459416-T-C.
Other names: short protein forms N442S.
Identifiers: ClinVar variation 1680576 (VCV001680576.3), dbSNP rs749658715, ClinGen allele CA3902890.

ClinVar aggregate classification (germline): Uncertain significance (1 of 4 stars; one submission).

Allele frequency attached by ClinVar (database versions not stated): gnomAD exomes below 0.00001 and 0.00001; ExAC 0.00001; gnomAD 0.00001; TOPMed 0.00001.

Submission:

Labcorp Genetics (formerly Invitae), Labcorp
Classification: Uncertain significance. Last evaluated: 2021-11-08. Review status: criteria provided, single submitter. Criteria: Invitae Variant Classification Sherloc (09022015). Collection method: clinical testing. Allele origin: germline.
Comment: This sequence change replaces asparagine, which is neutral and polar, with serine, which is neutral and polar, at codon 442 of the FAM46A protein (p.Asn442Ser). This variant is present in population databases (rs749658715, gnomAD 0.0009%). This variant has not been reported in the literature in individuals affected with FAM46A-related conditions. Algorithms developed to predict the effect of missense changes on protein structure and function (SIFT, PolyPhen-2, Align-GVGD) all suggest that this variant is likely to be tolerated. Algorithms developed to predict the effect of sequence changes on RNA splicing suggest that this variant may create or strengthen a splice site. In summary, the available evidence is currently insufficient to determine the role of this variant in disease. Therefore, it has been classified as a Variant of Uncertain Significance.